The following is an entry in ClinVar:

ClinVar aggregate classification (germline): Likely pathogenic (1 of 4 stars; one submission).

Conditions:
Autosomal recessive nonsyndromic hearing loss 12. Also called: DEAFNESS, AUTOSOMAL RECESSIVE 12. Identifiers: Orphanet 90636, MedGen C1832394, MONDO:0011067, OMIM 601386.

Submission:

Institute of Rare Diseases, West China Hospital, Sichuan University
Classification: Likely pathogenic for Autosomal recessive nonsyndromic hearing loss 12. Last evaluated: 2025-01-09. Review status: criteria provided, single submitter. Criteria: ClinGen HL ACMG Specifications v1. Collection method: research. Allele origin: germline. Affected: yes.
Comment: PM3_Strong;PP1;PM2_Supporting

NM_022124.6(CDH23):c.6374T>A (p.Ile2125Asn)

Gene: CDH23 (cadherin related 23; plus strand). Cytogenetic location: 10q22.1.
Variant type: single nucleotide variant.
Coding change: c.6374T>A on transcript NM_022124.6 (MANE Select); coding-DNA position 6374, T replaced by A.
Protein change: p.Ile2125Asn; replaces isoleucine 2125 with asparagine.
Molecular consequence: missense variant.
Genome position (GRCh38, 1-based): chr10:71,793,302, T>A. VCF-style: chr10-71793302-T-A. GRCh37 (hg19) VCF-style: chr10-73553059-T-A.
Other names: short protein forms I2125N.
Identifiers: ClinVar variation 3601492 (VCV003601492.1).